The following is an entry in ClinVar:

NM_007294.4(BRCA1):c.1871_1874delinsTTC (p.Glu624fs)

Gene: BRCA1 (BRCA1 DNA repair associated; minus strand). Cytogenetic location: 17q21.31.
Variant type: Indel.
Coding change: c.1871_1874delinsTTC on transcript NM_007294.4 (MANE Select); coding-DNA positions 1871 to 1874, AACT replaced by TTC.
Protein change: p.Glu624fs; shifts the reading frame from glutamic acid 624.
Molecular consequence: frameshift variant. On other transcripts: intron variant (137).
Genome position (GRCh38, 1-based): chr17:43,093,657-43,093,660, AGTT replaced by GAA on the plus strand (AACT replaced by TTC on the coding strand, the reverse complement: BRCA1 is on the minus strand). VCF-style: chr17-43093657-AGTT-GAA. GRCh37 (hg19) VCF-style: chr17-41245674-AGTT-GAA.
Other names: c.1661_1664delinsTTC, p.Glu554fs (NM_001407879.1, NM_001407881.1, NM_001407882.1 and 13 more transcripts); c.1871_1874delinsTTC, p.Glu624fs (NM_001407619.1, NM_001407620.1, NM_001407621.1 and 30 more transcripts); c.1868_1871delinsTTC, p.Glu623fs (NM_001407627.1, NM_001407628.1, NM_001407629.1 and 22 more transcripts); c.1862_1865delinsTTC, p.Glu621fs (NM_001407646.1, NM_001407647.1); c.1748_1751delinsTTC, p.Glu583fs (NM_001407648.1, NM_001407664.1, NM_001407665.1 and 19 more transcripts); c.1745_1748delinsTTC, p.Glu582fs (NM_001407649.1, NM_001407670.1, NM_001407671.1 and 11 more transcripts); c.1793_1796delinsTTC, p.Glu598fs (NM_001407653.1, NM_001407654.1, NM_001407655.1 and 4 more transcripts); c.1790_1793delinsTTC, p.Glu597fs (NM_001407659.1, NM_001407660.1, NM_001407661.1 and 1 more transcripts); and 40 more; short protein forms E624fs, E577fs, E456fs, E512fs, E553fs, E554fs, E556fs, E328fs.
Identifiers: ClinVar variation 1781690 (VCV001781690.3), dbSNP rs2552197452, ClinGen allele CA2580094110.

ClinVar aggregate classification (germline): Pathogenic (1 of 4 stars; one submission).

Conditions:
Hereditary cancer-predisposing syndrome. Also called: Neoplastic Syndromes, Hereditary; Tumor predisposition; Hereditary Cancer Syndrome; Hereditary neoplastic syndrome. Identifiers: Orphanet 140162, MedGen C0027672, MeSH D009386, MONDO:0015356.

Submission:

Ambry Genetics
Classification: Pathogenic for Hereditary cancer-predisposing syndrome. Last evaluated: 2024-10-15. Review status: criteria provided, single submitter. Criteria: Ambry Variant Classification Scheme 2023. Collection method: clinical testing. Allele origin: germline.
Comment: The c.1871_1874delAACTinsTTC pathogenic mutation, located in coding exon 9 of the BRCA1 gene, results from the deletion of 4 nucleotides and insertion of 3 nucleotides causing a translational frameshift with a predicted alternate stop codon (p.E624Vfs*3). This variant is considered to be rare based on population cohorts in the Genome Aggregation Database (gnomAD). This alteration is expected to result in loss of function by premature protein truncation or nonsense-mediated mRNA decay. As such, this alteration is interpreted as a disease-causing mutation.